The following is an entry in ClinVar:

NM_174878.3(CLRN1):c.190_200dup (p.His67fs)

Gene: CLRN1 (clarin 1; minus strand). Cytogenetic location: 3q25.1.
Variant type: Duplication.
Coding change: c.190_200dup on transcript NM_174878.3 (MANE Select); coding-DNA positions 190 to 200, 11 bases duplicated (GGGCTTTTCCA).
Protein change: p.His67fs; shifts the reading frame from histidine 67.
Molecular consequence: frameshift variant. On other transcripts: non-coding transcript variant (1).
Genome position (GRCh38, 1-based): chr3:150,972,509-150,972,519, TGGAAAAGCCC duplicated on the plus strand (GGGCTTTTCCA on the coding strand, the reverse complement: CLRN1 is on the minus strand). VCF-style (leftmost placement, unchanged base first): chr3-150972508-G-GTGGAAAAGCCC. GRCh37 (hg19) VCF-style: chr3-150690295-G-GTGGAAAAGCCC.
Other names: c.190_200dup, p.His67fs (NM_001195794.1, NM_001256819.2); short protein forms H67fs.
Identifiers: ClinVar variation 3241183 (VCV003241183.2), dbSNP rs2472830838.
Genomic context (GRCh38, chr3:150,972,508, plus strand): 5'-CTACTTACATGAGAACCGAAAGGGCCTTGCTCCCAACCCACACTGCCTCACACCCTCTCC[G>GTGGAAAAGCCC]TGGAAAAGCCCGTACTGCATTTCACCCATAAACTTGTCCAGCTCCTGCCCTGAGGCATTG-3'

ClinVar aggregate classification (germline): Pathogenic/Likely pathogenic. Review status: criteria provided, multiple submitters, no conflicts (2 of 4 stars). 2 submissions from 2 submitters: Pathogenic (1); Likely pathogenic (1). Last evaluated 2025-03-31.

Conditions:
Retinitis pigmentosa 61 (RP61). Identifiers: Orphanet 791, MedGen C3280041, MONDO:0013610, OMIM 614180.
Neuronal ceroid lipofuscinosis. Also called: Neuronal Ceroid Lipofuscinoses. Identifiers: Orphanet 216, Orphanet 79263, MedGen C0027877, MONDO:0016295. Disease mechanism: loss of function.

Submissions (2):

Myriad Genetics, Inc.
Classification: Pathogenic for Neuronal ceroid lipofuscinosis. Last evaluated: 2025-03-31. Review status: criteria provided, single submitter. Criteria: Myriad Autosomal Dominant, Autosomal Recessive and X-Linked Classification Criteria (2023). Collection method: clinical testing. Allele origin: unknown.
Comment: NM_174878.2(CLRN1):c.190_200dup11(H67Qfs*9) is a frameshift variant classified as pathogenic in the context of usher syndrome type 3. H67Qfs*9 has not been observed in cases with relevant disease. Relevant functional assessments of this variant are not available in the literature. H67Qfs*9 has not been observed in referenced population frequency databases. In summary, NM_174878.2(CLRN1):c.190_200dup11(H67Qfs*9) is a frameshift variant in a gene where loss of function is a known mechanism of disease and is predicted to disrupt protein function. Please note: this variant was assessed in the context of healthy population screening.

Baylor Genetics
Classification: Likely pathogenic for Retinitis pigmentosa 61. Last evaluated: 2024-01-16. Review status: criteria provided, single submitter. Criteria: ACMG Guidelines, 2015. Collection method: clinical testing. Allele origin: unknown.